The following is an entry in ClinVar:

ClinVar aggregate classification (germline): Conflicting classifications of pathogenicity. Review status: criteria provided, conflicting classifications (1 of 4 stars). 2 submissions from 2 submitters: Uncertain significance (1); Likely benign (1). Last evaluated 2025-02-10.

Conditions:
Inborn genetic diseases. Identifiers: MedGen C0950123, MeSH D030342.

Allele frequency attached by ClinVar (database versions not stated): TOPMed 0.00004; gnomAD exomes below 0.00001; gnomAD 0.00001.
gnomAD v4.1: 3 of 1,604,506 alleles (0.00019%); highest among the groups gnomAD compares: Admixed American, 0.0034%; no homozygotes.

Submissions (2):

Labcorp Genetics (formerly Invitae), Labcorp
Classification: Uncertain significance. Last evaluated: 2025-02-10. Review status: criteria provided, single submitter. Criteria: Invitae Variant Classification Sherloc (09022015). Collection method: clinical testing. Allele origin: germline.
Comment: This sequence change replaces lysine, which is basic and polar, with arginine, which is basic and polar, at codon 654 of the AP3D1 protein (p.Lys654Arg). The frequency data for this variant in the population databases is considered unreliable, as metrics indicate poor data quality at this position in the gnomAD database. This variant has not been reported in the literature in individuals affected with AP3D1-related conditions. ClinVar contains an entry for this variant (Variation ID: 2400220). An algorithm developed to predict the effect of missense changes on protein structure and function outputs the following: PolyPhen-2: "Benign". The arginine amino acid residue is found in multiple mammalian species, which suggests that this missense change does not adversely affect protein function. In summary, the available evidence is currently insufficient to determine the role of this variant in disease. Therefore, it has been classified as a Variant of Uncertain Significance.

Ambry Genetics
Classification: Likely benign for Inborn genetic diseases. Last evaluated: 2021-10-26. Review status: criteria provided, single submitter. Criteria: Ambry Variant Classification Scheme 2023. Collection method: clinical testing. Allele origin: germline.

NM_001261826.3(AP3D1):c.1961A>G (p.Lys654Arg)

Gene: AP3D1 (adaptor related protein complex 3 subunit delta 1; minus strand). Cytogenetic location: 19p13.3.
Variant type: single nucleotide variant.
Coding change: c.1961A>G on transcript NM_001261826.3 (MANE Select); coding-DNA position 1961, A replaced by G.
Protein change: p.Lys654Arg; replaces lysine 654 with arginine.
Molecular consequence: missense variant.
Genome position (GRCh38, 1-based): chr19:2,116,645, T>C on the plus strand (A>G on the coding strand, the complement: AP3D1 is on the minus strand). VCF-style: chr19-2116645-T-C. GRCh37 (hg19) VCF-style: chr19-2116644-T-C.
Other names: c.1961A>G, p.Lys654Arg (NM_001374799.1, NM_003938.8); short protein forms K654R.
Identifiers: ClinVar variation 2400220 (VCV002400220.4), dbSNP rs1251912299, ClinGen allele CA403216488.